The following is an entry in ClinVar:

ClinVar aggregate classification (germline): Uncertain significance (1 of 4 stars; one submission).

Submission:

Labcorp Genetics (formerly Invitae), Labcorp
Classification: Uncertain significance. Last evaluated: 2024-09-06. Review status: criteria provided, single submitter. Criteria: Invitae Variant Classification Sherloc (09022015). Collection method: clinical testing. Allele origin: germline.
Comment: This variant, c.4408_4410del, results in the deletion of 1 amino acid(s) of the FBN3 protein (p.Ser1470del), but otherwise preserves the integrity of the reading frame. This variant is present in population databases (rs757579773, gnomAD 0.04%). This variant has not been reported in the literature in individuals affected with FBN3-related conditions. Experimental studies and prediction algorithms are not available or were not evaluated, and the functional significance of this variant is currently unknown. In summary, the available evidence is currently insufficient to determine the role of this variant in disease. Therefore, it has been classified as a Variant of Uncertain Significance.

NM_032447.5(FBN3):c.4408_4410del (p.Ser1470del)

Gene: FBN3 (fibrillin 3; minus strand). Cytogenetic location: 19p13.2.
Variant type: Deletion.
Coding change: c.4408_4410del on transcript NM_032447.5 (MANE Select); coding-DNA positions 4408 to 4410, 3 bases deleted (AGC; older notation c.4408_4410delAGC).
Protein change: p.Ser1470del; deletes serine 1470.
Molecular consequence: inframe deletion.
Genome position (GRCh38, 1-based): chr19:8,109,677-8,109,679, GCT deleted on the plus strand (AGC on the coding strand, the reverse complement: FBN3 is on the minus strand); deleting any 3 consecutive bases within chr19:8,109,677-8,109,681 gives the same sequence; the c. name uses the placement nearest the transcript's 3' end. VCF-style (leftmost placement, unchanged base first): chr19-8109676-AGCT-A. GRCh37 (hg19) VCF-style: chr19-8174560-AGCT-A.
Other names: c.4408_4410del, p.Ser1470del (NM_001321431.2); short protein forms S1470del.
Identifiers: ClinVar variation 3621627 (VCV003621627.2).